The following is an entry in ClinVar:

NM_006445.4(PRPF8):c.6912C>A (p.Phe2304Leu)

Gene: PRPF8 (pre-mRNA processing factor 8; minus strand). Cytogenetic location: 17p13.3.
Variant type: single nucleotide variant.
Coding change: c.6912C>A on transcript NM_006445.4 (MANE Select); coding-DNA position 6912, C replaced by A.
Protein change: p.Phe2304Leu; replaces phenylalanine 2304 with leucine.
Molecular consequence: missense variant.
Genome position (GRCh38, 1-based): chr17:1,650,898, G>T on the plus strand (C>A on the coding strand, the complement: PRPF8 is on the minus strand). VCF-style: chr17-1650898-G-T. GRCh37 (hg19) VCF-style: chr17-1554192-G-T.
Other names: short protein forms F2304L.
Identifiers: ClinVar variation 2089649 (VCV002089649.4), dbSNP rs121434240, ClinGen allele CA397562156.
Genomic context (GRCh38, chr17:1,650,898, plus strand): 5'-CTCCCCCTCCTGCAGGAGAGCAAAGTTGAGGAAGTGAGAGGGCCTGTGCACCTCGTGGTA[G>T]AACTCTTTGGGGTTCGCCAGCTGTAGCTCATATTTCATGTTGGGGTCATGCCGAACACCT-3'
Protein context (NP_006436.3, residues 2294-2314): YELQLANPKE[Phe2304Leu]YHEVHRPSHF

ClinVar aggregate classification (germline): Pathogenic (1 of 4 stars; one submission).

Submission:

Labcorp Genetics (formerly Invitae), Labcorp
Classification: Pathogenic. Last evaluated: 2022-09-27. Review status: criteria provided, single submitter. Criteria: Invitae Variant Classification Sherloc (09022015). Collection method: clinical testing. Allele origin: germline.
Comment: Advanced modeling of protein sequence and biophysical properties (such as structural, functional, and spatial information, amino acid conservation, physicochemical variation, residue mobility, and thermodynamic stability) performed at Invitae indicates that this missense variant is expected to disrupt PRPF8 protein function. A different variant (c.6912C>G) giving rise to the same protein effect has been determined to be pathogenic (PMID: 11468273, 16799052, 28076437). This suggests that this variant is also likely to be causative of disease. This variant is not present in population databases (gnomAD no frequency). This sequence change replaces phenylalanine, which is neutral and non-polar, with leucine, which is neutral and non-polar, at codon 2304 of the PRPF8 protein (p.Phe2304Leu). For these reasons, this variant has been classified as Pathogenic. This variant disrupts the p.Phe2304 amino acid residue in PRPF8. Other variant(s) that disrupt this residue have been determined to be pathogenic (PMID: 33576794; Invitae). This suggests that this residue is clinically significant, and that variants that disrupt this residue are likely to be disease-causing.

Literature cited by the submitters: PubMed 11468273; PubMed 16799052; PubMed 28076437; PubMed 33576794.